The following is an entry in ClinVar:

NM_001360016.2(G6PD):c.219C>T (p.Ser73=)

Gene: G6PD (glucose-6-phosphate dehydrogenase; minus strand). Cytogenetic location: Xq28.
Variant type: single nucleotide variant.
Coding change: c.219C>T on transcript NM_001360016.2 (MANE Select); coding-DNA position 219, C replaced by T.
Protein change: p.Ser73=; no amino-acid change (serine 73 retained).
Molecular consequence: synonymous variant.
Genome position (GRCh38, 1-based): chrX:154,535,985, G>A on the plus strand (C>T on the coding strand, the complement: G6PD is on the minus strand). VCF-style: chrX-154535985-G-A. GRCh37 (hg19) VCF-style: chrX-153764200-G-A.
Other names: c.309C>T, p.Ser103= (NM_000402.4); c.219C>T, p.Ser73= (NM_001042351.3).
Identifiers: ClinVar variation 1722712 (VCV001722712.2), dbSNP rs2523272772, ClinGen allele CA519308881.
Genomic context (GRCh38, chrX:154,535,985, plus strand): 5'-GACACCACCCACCTTGAAGAAGGGCTCACTCTGTTTGCGGATGTCAGCCACTGTGAGGCG[G>A]GAACGGGCATAGCCCACGATGAAGGTGTTTTCGGGCAGAAGGCCATCCCGGAACAGCCAC-3'
Protein context (NP_001346945.1, residues 63-83): ENTFIVGYAR[Ser73=]RLTVADIRKQ

ClinVar aggregate classification (germline): Likely pathogenic (1 of 4 stars; one submission).

Conditions:
Anemia, nonspherocytic hemolytic, due to G6PD deficiency (CNSHA1). Also called: Hemolytic anemia due to G6PD deficiency; Class I glucose-6-phosphate dehydrogenase deficiency; Favism, susceptibility to; ANEMIA, CONGENITAL, NONSPHEROCYTIC HEMOLYTIC, 1. Identifiers: Orphanet 466026, MedGen C2720289, MONDO:0010480, OMIM 300908.

Submission:

Dunham Lab, University of Washington
Classification: Likely pathogenic for Anemia, nonspherocytic hemolytic, due to G6PD deficiency. Last evaluated: 2022-08-12. Review status: criteria provided, single submitter. Criteria: Bayesian ACMG Guidelines, 2018. Collection method: curation. Allele origin: unknown. Affected: yes.
Comment: Decreased activity in red blood cells of hemizygote (PS3). Not observed in gnomAD (PM2). Post_P 0.949 (odds of pathogenicity 168.4, Prior_P 0.1).

Literature cited by the submitters: PubMed 19589177.